The following is an entry in ClinVar:

ClinVar aggregate classification (germline): Uncertain significance. Review status: criteria provided, multiple submitters, no conflicts (2 of 4 stars). 2 submissions from 2 submitters: Uncertain significance (2). Last evaluated 2022-08-31.

Conditions:
TTC8-related disorder. Also called: TTC8-related condition.
Bardet-Biedl syndrome (BBS). Identifiers: Orphanet 110, MedGen C0752166, MONDO:0015229.

Allele frequency attached by ClinVar (database versions not stated): gnomAD 0.00001.
gnomAD v4.1: 33 of 1,613,102 alleles (0.002%); highest among the groups gnomAD compares: Non-Finnish European, 0.0028%; no homozygotes.

Submissions (2):

PreventionGenetics, part of Exact Sciences
Classification: Uncertain significance for TTC8-related condition. Last evaluated: 2022-08-31. Review status: criteria provided, single submitter. Criteria: ACMG Guidelines, 2015. Collection method: clinical testing. Allele origin: germline.
Comment: The TTC8 c.1277A>T variant is predicted to result in the amino acid substitution p.Asn426Ile. To our knowledge, this variant has not been reported in the literature. This variant is reported in 0.00088% of alleles in individuals of European (Non-Finnish) descent in gnomAD. At this time, the clinical significance of this variant is uncertain due to the absence of conclusive functional and genetic evidence.

Labcorp Genetics (formerly Invitae), Labcorp
Classification: Uncertain significance for Bardet-Biedl syndrome. Last evaluated: 2021-08-26. Review status: criteria provided, single submitter. Criteria: Invitae Variant Classification Sherloc (09022015). Collection method: clinical testing. Allele origin: germline.
Comment: This sequence change replaces asparagine with isoleucine at codon 416 of the TTC8 protein (p.Asn416Ile). The asparagine residue is moderately conserved and there is a large physicochemical difference between asparagine and isoleucine. This variant is not present in population databases (ExAC no frequency). This variant has not been reported in the literature in individuals affected with TTC8-related conditions. Algorithms developed to predict the effect of missense changes on protein structure and function are either unavailable or do not agree on the potential impact of this missense change (SIFT: "Deleterious"; PolyPhen-2: "Benign"; Align-GVGD: "Class C0"). In summary, the available evidence is currently insufficient to determine the role of this variant in disease. Therefore, it has been classified as a Variant of Uncertain Significance.

NM_144596.4(TTC8):c.1277A>T (p.Asn426Ile)

Gene: TTC8 (tetratricopeptide repeat domain 8; plus strand). Cytogenetic location: 14q31.3.
Variant type: single nucleotide variant.
Coding change: c.1277A>T on transcript NM_144596.4 (MANE Select); coding-DNA position 1277, A replaced by T.
Protein change: p.Asn426Ile; replaces asparagine 426 with isoleucine.
Molecular consequence: missense variant. On other transcripts: non-coding transcript variant (1).
Genome position (GRCh38, 1-based): chr14:88,872,382, A>T. VCF-style: chr14-88872382-A-T. GRCh37 (hg19) VCF-style: chr14-89338726-A-T.
Other names: c.1325A>T, p.Asn442Ile (NM_001288781.1); c.683A>T, p.Asn228Ile (NM_001288782.1); c.560A>T, p.Asn187Ile (NM_001288783.1); c.1247A>T, p.Asn416Ile (NM_001366535.2, NM_198309.3); c.1157A>T, p.Asn386Ile (NM_001366536.2, NM_198310.3); c.1277A>T (NM_144596.3); short protein forms N187I, N386I, N416I, N228I, N426I, N442I.
Identifiers: ClinVar variation 1441100 (VCV001441100.5), dbSNP rs575952395, ClinGen allele CA390553009.
Genomic context (GRCh38, chr14:88,872,382, plus strand): 5'-TTTTGTAGGGAATAGGAGATACAAATTTGGCCCATCAGTGCTTCAGGCTGGCTCTGGTCA[A>T]CAACAACAACCACGCCGAGGCCTACAACAACCTGGCTGTGCTGGAGATGCGGAAGGGCCA-3'
Protein context (NP_653197.2, residues 416-436): AHQCFRLALV[Asn426Ile]NNNHAEAYNN